The following is an entry in ClinVar:

ClinVar aggregate classification (germline): Pathogenic. Review status: criteria provided, multiple submitters, no conflicts (2 of 4 stars). 3 submissions from 3 submitters: Pathogenic (2). 1 of the submissions does not count toward it. Last evaluated 2024-03-29.

Conditions:
Familial pulmonary capillary hemangiomatosis (PVOD2). Also called: Pulmonary venoocclusive disease 2; Pulmonary venoocclusive disease 2, autosomal recessive. Identifiers: Orphanet 199241, MedGen C0340848, MONDO:0009329, OMIM 234810.

Allele frequency attached by ClinVar (database versions not stated): gnomAD exomes below 0.00001.

Submissions (3):

Genomic Medicine Center of Excellence, King Faisal Specialist Hospital and Research Centre
Classification: Pathogenic for Familial pulmonary capillary hemangiomatosis. Last evaluated: 2024-03-29. Review status: criteria provided, single submitter. Criteria: ACMG Guidelines, 2015. Collection method: clinical testing. Allele origin: germline.

Labcorp Genetics (formerly Invitae), Labcorp
Classification: Pathogenic. Last evaluated: 2022-05-01. Review status: criteria provided, single submitter. Criteria: Invitae Variant Classification Sherloc (09022015). Collection method: clinical testing. Allele origin: germline.
Comment: For these reasons, this variant has been classified as Pathogenic. ClinVar contains an entry for this variant (Variation ID: 426063). This premature translational stop signal has been observed in individual(s) with autosomal recessive pulmonary veno-occlusive disease (PMID: 24292273). This variant is present in population databases (no rsID available, gnomAD 0.003%). This sequence change creates a premature translational stop signal (p.Ser1403Lysfs*45) in the EIF2AK4 gene. It is expected to result in an absent or disrupted protein product. Loss-of-function variants in EIF2AK4 are known to be pathogenic (PMID: 12215525, 24135949, 24292273, 24310610, 28972005, 29743074).

Rare Disease Genomics Group, St George's University of London
Classification: Pathogenic for Familial pulmonary capillary hemangiomatosis. Review status: no assertion criteria provided. Collection method: literature only. Allele origin: germline. Affected: yes. Not counted in ClinVar's aggregate classification.

Literature cited by the submitters: PubMed 24292273 (cited by Labcorp Genetics (formerly Invitae), Labcorp and Rare Disease Genomics Group, St George's University of London); PubMed 12215525 (cited by Labcorp Genetics (formerly Invitae), Labcorp); PubMed 24135949 (cited by Labcorp Genetics (formerly Invitae), Labcorp); PubMed 24310610 (cited by Labcorp Genetics (formerly Invitae), Labcorp); PubMed 28972005 (cited by Labcorp Genetics (formerly Invitae), Labcorp); PubMed 29743074 (cited by Labcorp Genetics (formerly Invitae), Labcorp).

NM_001013703.4(EIF2AK4):c.4205dup (p.Ser1403fs)

Gene: EIF2AK4 (eukaryotic translation initiation factor 2 alpha kinase 4; plus strand). Cytogenetic location: 15q15.1.
Variant type: Duplication.
Coding change: c.4205dup on transcript NM_001013703.4 (MANE Select); coding-DNA position 4205, one base duplicated (T; older notation c.4205dupT).
Protein change: p.Ser1403fs; shifts the reading frame from serine 1403.
Molecular consequence: frameshift variant.
Genome position (GRCh38, 1-based): chr15:40,020,930, T duplicated. VCF-style (leftmost placement, unchanged base first): chr15-40020929-G-GT. GRCh37 (hg19) VCF-style: chr15-40313130-G-GT.
Other names: c.4205dupT (NM_001013703.3); short protein forms S1403fs.
Identifiers: ClinVar variation 426063 (VCV000426063.8), dbSNP rs1085307444, ClinGen allele CA617211573.